The following is an entry in ClinVar:

NM_001042492.3(NF1):c.6082G>A (p.Ala2028Thr)

Gene: NF1 (neurofibromin 1; plus strand). Cytogenetic location: 17q11.2.
Variant type: single nucleotide variant.
Coding change: c.6082G>A on transcript NM_001042492.3 (MANE Select); coding-DNA position 6082, G replaced by A.
Protein change: p.Ala2028Thr; replaces alanine 2028 with threonine.
Molecular consequence: missense variant.
Genome position (GRCh38, 1-based): chr17:31,336,408, G>A. VCF-style: chr17-31336408-G-A. GRCh37 (hg19) VCF-style: chr17-29663426-G-A.
Other names: c.6019G>A, p.Ala2007Thr (NM_000267.4); short protein forms A2028T, A2007T.
Identifiers: ClinVar variation 480209 (VCV000480209.13), dbSNP rs767869530, ClinGen allele CA8487294.

ClinVar aggregate classification (germline): Conflicting classifications of pathogenicity. Review status: criteria provided, conflicting classifications (1 of 4 stars). 3 submissions from 3 submitters: Uncertain significance (2); Likely benign (1). Last evaluated 2025-11-18.

Conditions:
Cardiovascular phenotype. Identifiers: MedGen CN230736.
Hereditary cancer-predisposing syndrome. Also called: Hereditary neoplastic syndrome; Neoplastic Syndromes, Hereditary; Tumor predisposition; Hereditary Cancer Syndrome. Identifiers: Orphanet 140162, MedGen C0027672, MeSH D009386, MONDO:0015356.
Neurofibromatosis, type 1 (NF1). Also called: VON RECKLINGHAUSEN DISEASE; Peripheral type neurofibromatosis; NEUROFIBROMATOSIS, TYPE I, SOMATIC; Neurofibromatosis, type I. Identifiers: Orphanet 636, MedGen C0027831, MONDO:0018975, OMIM 162200. Disease mechanism: loss of function.

Allele frequency attached by ClinVar (database versions not stated): gnomAD exomes below 0.00001; ExAC 0.00001; TOPMed 0.00002; gnomAD 0.00003.
gnomAD v4.1: 4 of 1,613,994 alleles (0.00025%); highest among the groups gnomAD compares: African/African-American, 0.0053%; no homozygotes.

Submissions (3):

Labcorp Genetics (formerly Invitae), Labcorp
Classification: Likely benign for Neurofibromatosis, type 1. Last evaluated: 2025-11-18. Review status: criteria provided, single submitter. Criteria: Invitae Variant Classification Sherloc (09022015). Collection method: clinical testing. Allele origin: germline.

Genome-Nilou Lab
Classification: Uncertain significance for Neurofibromatosis, type 1. Last evaluated: 2022-03-15. Review status: criteria provided, single submitter. Criteria: ACMG Guidelines, 2015. Collection method: clinical testing. Allele origin: germline. Affected: no.

Ambry Genetics
Classification: Uncertain significance for Cardiovascular phenotype; Hereditary cancer-predisposing syndrome. Last evaluated: 2021-11-05. Review status: criteria provided, single submitter. Criteria: Ambry Variant Classification Scheme 2023. Collection method: clinical testing. Allele origin: germline.
Comment: The p.A2007T variant (also known as c.6019G>A), located in coding exon 40 of the NF1 gene, results from a G to A substitution at nucleotide position 6019. The alanine at codon 2007 is replaced by threonine, an amino acid with similar properties. This amino acid position is highly conserved in available vertebrate species. In addition, this alteration is predicted to be deleterious by in silico analysis. Since supporting evidence is limited at this time, the clinical significance of this alteration remains unclear.